The following is an entry in ClinVar:

ClinVar aggregate classification (germline): Uncertain significance. Review status: criteria provided, multiple submitters, no conflicts (2 of 4 stars). 3 submissions from 3 submitters: Uncertain significance (3). Last evaluated 2025-08-07.

Conditions:
Hereditary cancer-predisposing syndrome. Also called: Hereditary neoplastic syndrome; Tumor predisposition; Hereditary Cancer Syndrome; Neoplastic Syndromes, Hereditary. Identifiers: Orphanet 140162, MedGen C0027672, MeSH D009386, MONDO:0015356.
Nijmegen breakage syndrome-like disorder (NBSLD). Also called: MICROCEPHALY AND SPONTANEOUS CHROMOSOME INSTABILITY WITHOUT IMMUNODEFICIENCY; NBS-LIKE DISORDER; RAD50 DEFICIENCY. Identifiers: Orphanet 240760, MedGen C2751318, MONDO:0013118, OMIM 613078.

Allele frequency attached by ClinVar (database versions not stated): TOPMed 0.00001; gnomAD 0.00002.
gnomAD v4.1: 18 of 1,610,738 alleles (0.0011%); highest among the groups gnomAD compares: Non-Finnish European, 0.0014%; no homozygotes.

Submissions (3):

Labcorp Genetics (formerly Invitae), Labcorp
Classification: Uncertain significance for Hereditary cancer-predisposing syndrome. Last evaluated: 2025-08-07. Review status: criteria provided, single submitter. Criteria: Invitae Variant Classification Sherloc (09022015). Collection method: clinical testing. Allele origin: germline.
Comment: This sequence change replaces tyrosine, which is neutral and polar, with histidine, which is basic and polar, at codon 972 of the RAD50 protein (p.Tyr972His). This variant is not present in population databases (gnomAD no frequency). This variant has not been reported in the literature in individuals affected with RAD50-related conditions. ClinVar contains an entry for this variant (Variation ID: 221088). Invitae Evidence Modeling of protein sequence and biophysical properties (such as structural, functional, and spatial information, amino acid conservation, physicochemical variation, residue mobility, and thermodynamic stability) indicates that this missense variant is not expected to disrupt RAD50 protein function with a negative predictive value of 80%. In summary, the available evidence is currently insufficient to determine the role of this variant in disease. Therefore, it has been classified as a Variant of Uncertain Significance.

Baylor Genetics
Classification: Uncertain significance for Nijmegen breakage syndrome-like disorder. Last evaluated: 2023-07-14. Review status: criteria provided, single submitter. Criteria: ACMG Guidelines, 2015. Collection method: clinical testing. Allele origin: unknown.

Ambry Genetics
Classification: Uncertain significance for Hereditary cancer-predisposing syndrome. Last evaluated: 2023-03-14. Review status: criteria provided, single submitter. Criteria: Ambry Variant Classification Scheme 2023. Collection method: clinical testing. Allele origin: germline.

NM_005732.4(RAD50):c.2914T>C (p.Tyr972His)

Gene: RAD50 (RAD50 double strand break repair protein; plus strand). Cytogenetic location: 5q31.1.
Variant type: single nucleotide variant.
Coding change: c.2914T>C on transcript NM_005732.4 (MANE Select); coding-DNA position 2914, T replaced by C.
Protein change: p.Tyr972His; replaces tyrosine 972 with histidine.
Molecular consequence: missense variant.
Genome position (GRCh38, 1-based): chr5:132,609,201, T>C. VCF-style: chr5-132609201-T-C. GRCh37 (hg19) VCF-style: chr5-131944893-T-C.
Other names: short protein forms Y972H.
Identifiers: ClinVar variation 221088 (VCV000221088.14), dbSNP rs864622743, ClinGen allele CA349176.
Genomic context (GRCh38, chr5:132,609,201, plus strand): 5'-AAAAATATTCATGGCTATATGAAAGACATTGAGAATTATATTCAAGATGGGAAAGACGAC[T>C]ATAAGAAGGTAATTTAAAACTTAAAATTATTTATTTGATTGTATTTTTATTCATGTGCTT-3'
Protein context (NP_005723.2, residues 962-982): ENYIQDGKDD[Tyr972His]KKQKETELNK